The following is an entry in ClinVar:

NM_004360.5(CDH1):c.1927A>C (p.Asn643His)

Gene: CDH1 (cadherin 1; plus strand). Cytogenetic location: 16q22.1.
Variant type: single nucleotide variant.
Coding change: c.1927A>C on transcript NM_004360.5 (MANE Select); coding-DNA position 1927, A replaced by C.
Protein change: p.Asn643His; replaces asparagine 643 with histidine.
Molecular consequence: missense variant. On other transcripts: 5 prime UTR variant (1).
Genome position (GRCh38, 1-based): chr16:68,822,216, A>C. VCF-style: chr16-68822216-A-C. GRCh37 (hg19) VCF-style: chr16-68856119-A-C.
Other names: c.1744A>C, p.Asn582His (NM_001317184.2); c.379A>C, p.Asn127His (NM_001317185.2); c.-39A>C (NM_001317186.2); c.1927A>C (NM_004360.3); short protein forms N643H, N127H, N582H.
Identifiers: ClinVar variation 925271 (VCV000925271.7), dbSNP rs587781540, ClinGen allele CA396467269.

ClinVar aggregate classification (germline): Conflicting classifications of pathogenicity. Review status: criteria provided, conflicting classifications (1 of 4 stars). 3 submissions from 3 submitters: Uncertain significance (2); Likely benign (1). Last evaluated 2026-05-13.

Conditions:
Hereditary cancer-predisposing syndrome. Also called: Hereditary Cancer Syndrome; Neoplastic Syndromes, Hereditary; Tumor predisposition; Hereditary neoplastic syndrome. Identifiers: Orphanet 140162, MedGen C0027672, MeSH D009386, MONDO:0015356.
Hereditary diffuse gastric adenocarcinoma (HDGC). Also called: DIFFUSE GASTRIC AND LOBULAR BREAST CANCER SYNDROME. Identifiers: Orphanet 26106, MedGen C1708349, MONDO:0007648, OMIM 137215.

gnomAD v4.1: 1 of 1,613,714 alleles (0.000062%); highest among the groups gnomAD compares: Non-Finnish European, 0.000085%; no homozygotes.

Submissions (3):

Ambry Genetics
Classification: Likely benign for Hereditary cancer-predisposing syndrome. Last evaluated: 2026-05-13. Review status: criteria provided, single submitter. Criteria: Ambry Variant Classification Scheme 2023. Collection method: clinical testing. Allele origin: germline.

Labcorp Genetics (formerly Invitae), Labcorp
Classification: Uncertain significance for Hereditary diffuse gastric adenocarcinoma. Last evaluated: 2023-06-09. Review status: criteria provided, single submitter. Criteria: Invitae Variant Classification Sherloc (09022015). Collection method: clinical testing. Allele origin: germline.
Comment: This sequence change replaces asparagine, which is neutral and polar, with histidine, which is basic and polar, at codon 643 of the CDH1 protein (p.Asn643His). This variant is not present in population databases (gnomAD no frequency). This variant has not been reported in the literature in individuals affected with CDH1-related conditions. ClinVar contains an entry for this variant (Variation ID: 925271). An algorithm developed to predict the effect of missense changes on protein structure and function (PolyPhen-2) suggests that this variant is likely to be tolerated. In summary, the available evidence is currently insufficient to determine the role of this variant in disease. Therefore, it has been classified as a Variant of Uncertain Significance.

Color Diagnostics, LLC DBA Color Health
Classification: Uncertain significance for Hereditary cancer-predisposing syndrome. Last evaluated: 2020-01-06. Review status: criteria provided, single submitter. Criteria: ACMG Guidelines, 2015. Collection method: clinical testing. Allele origin: germline.
Comment: This missense variant replaces asparagine with histidine at codon 643 of the CDH1 protein. Computational prediction tool suggests that this variant may not impact protein structure and function (internally defined REVEL score threshold ≤0.5, PMID: 27666373). Splice site prediction tools suggest that this variant may not impact RNA splicing. To our knowledge, functional studies have not been performed for this variant. This variant has not been reported in individuals affected with hereditary cancer in the literature. This variant has not been identified in the general population by the Genome Aggregation Database (gnomAD). The available evidence is insufficient to determine the role of this variant in disease conclusively. Therefore, this variant is classified as a Variant of Uncertain Significance.